The following is an entry in ClinVar:

NM_002936.6(RNASEH1):c.513T>C (p.Asn171=)

Gene: RNASEH1 (ribonuclease H1; minus strand). Cytogenetic location: 2p25.3.
Variant type: single nucleotide variant.
Coding change: c.513T>C on transcript NM_002936.6 (MANE Select); coding-DNA position 513, T replaced by C.
Protein change: p.Asn171=; no amino-acid change (asparagine 171 retained).
Molecular consequence: synonymous variant. On other transcripts: non-coding transcript variant (6), intron variant (1).
Genome position (GRCh38, 1-based): chr2:3,549,109, A>G on the plus strand (T>C on the coding strand, the complement: RNASEH1 is on the minus strand). VCF-style: chr2-3549109-A-G. GRCh37 (hg19) VCF-style: chr2-3596699-A-G.
Other names: c.513T>C (NM_002936.4); c.435T>C, p.Asn145= (NM_001286834.3); c.162T>C, p.Asn54= (NM_001286837.3); c.513T>C, p.Asn171= (NM_001378271.1); c.510T>C, p.Asn170= (NM_001378272.1); c.510-12T>C (NM_001378273.1).
Identifiers: ClinVar variation 1928720 (VCV001928720.7), dbSNP rs186475742, ClinGen allele CA1516221.
Genomic context (GRCh38, chr2:3,549,109, plus strand): 5'-ATAACTTACATGAATTTCCGCTCTTTGGTTTGTCTGCCGCCCAGGAAGTCTAATGCCTAC[A>G]TTTCTGTTTCAAAACAGTACAAAAGAAAATAAAAGTATAAAGTGAATTCTCAAAGTGATT-3'
Protein context (NP_002927.2, residues 161-181): GVYWGPGHPL[Asn171=]VGIRLPGRQT

ClinVar aggregate classification (germline): Likely benign. Review status: criteria provided, single submitter (1 of 4 stars). 2 submissions from 2 submitters: Likely benign (1). 1 of the submissions does not count toward it. Last evaluated 2023-03-26.

Conditions:
RNASEH1-related disorder. Also called: RNASEH1-related condition.

Allele frequency attached by ClinVar (database versions not stated): ExAC 0.00003; gnomAD 0.00007; ESP Exome Variant Server 0.00008; TOPMed 0.00008; 1000 Genomes Project 30x 0.00016; 1000 Genomes Project 0.00020.
gnomAD v4.1: 16 of 1,612,462 alleles (0.00099%); highest among the groups gnomAD compares: African/African-American, 0.021%; no homozygotes.

Submissions (2):

Labcorp Genetics (formerly Invitae), Labcorp
Classification: Likely benign. Last evaluated: 2023-03-26. Review status: criteria provided, single submitter. Criteria: Invitae Variant Classification Sherloc (09022015). Collection method: clinical testing. Allele origin: germline.

PreventionGenetics, part of Exact Sciences
Classification: Likely benign for RNASEH1-related condition. Last evaluated: 2023-03-27. Review status: no assertion criteria provided. Collection method: clinical testing. Allele origin: germline. Not counted in ClinVar's aggregate classification.
Comment: This variant is classified as likely benign based on ACMG/AMP sequence variant interpretation guidelines (Richards et al. 2015 PMID: 25741868, with internal and published modifications).